The following is an entry in ClinVar:

ClinVar aggregate classification (germline): Pathogenic. Review status: criteria provided, multiple submitters, no conflicts (2 of 4 stars). 12 submissions from 12 submitters: Pathogenic (10). 2 of the submissions do not count toward it. Last evaluated 2026-01-20.

Conditions:
SPG11-related disorder. Also called: SPG11-related condition.
Charcot-Marie-Tooth disease axonal type 2X. Also called: CHARCOT-MARIE-TOOTH DISEASE, AXONAL, AUTOSOMAL RECESSIVE, TYPE 2X; CHARCOT-MARIE-TOOTH NEUROPATHY, TYPE 2X. Identifiers: Orphanet 466775, MedGen C5569024, MONDO:0014726, OMIM 616668.
Hereditary spastic paraplegia. Also called: Familial spastic paraparesis. Identifiers: Orphanet 685, MedGen C0037773, MONDO:0019064. Disease mechanism: loss of function.
Hereditary spastic paraplegia 11. Also called: SPASTIC PARAPLEGIA, AUTOSOMAL RECESSIVE, COMPLICATED, WITH THIN CORPUS CALLOSUM; SPASTIC PARAPLEGIA, AUTOSOMAL RECESSIVE, WITH MENTAL IMPAIRMENT AND THIN CORPUS CALLOSUM; Spastic Paraplegia 11; Spastic paraplegia, mental retardation and thin corpus callosum; Nakamura Osame syndrome; Autosomal recessive hereditary spastic paraplegia, mental impairment, and thin corpus callosum. Identifiers: Orphanet 2822, MedGen C1858479, MONDO:0011445, OMIM 604360.

Allele frequency attached by ClinVar (database versions not stated): 1000 Genomes Project 30x 0.00016; 1000 Genomes Project 0.00020; gnomAD 0.00002 and 0.00003; gnomAD exomes 0.00002 and 0.00003; TOPMed 0.00002; ExAC 0.00003.
gnomAD v4.1: 41 of 1,613,612 alleles (0.0025%); highest among the groups gnomAD compares: Non-Finnish European, 0.0028%; no homozygotes.

Submissions (12):

Labcorp Genetics (formerly Invitae), Labcorp
Classification: Pathogenic for Hereditary spastic paraplegia 11. Last evaluated: 2026-01-20. Review status: criteria provided, single submitter. Criteria: Invitae Variant Classification Sherloc (09022015). Collection method: clinical testing. Allele origin: germline.
Comment: This sequence change creates a premature translational stop signal (p.Arg651*) in the SPG11 gene. It is expected to result in an absent or disrupted protein product. Loss-of-function variants in SPG11 are known to be pathogenic (PMID: 19105190, 20110243, 22154821, 26556829). This variant is present in population databases (rs199588440, gnomAD 0.007%). This premature translational stop signal has been observed in individual(s) with hereditary spastic paraplegia (HSP) (PMID: 18067136, 18079167, 23121729, 24833714, 27071356). In at least one individual the data is consistent with being in trans (on the opposite chromosome) from a pathogenic variant. It has also been observed to segregate with disease in related individuals. ClinVar contains an entry for this variant (Variation ID: 41284). Algorithms developed to predict the effect of sequence changes on RNA splicing suggest that this variant may disrupt the consensus splice site. For these reasons, this variant has been classified as Pathogenic.

Genomic Medicine Center of Excellence, King Faisal Specialist Hospital and Research Centre
Classification: Pathogenic for Hereditary spastic paraplegia 11. Last evaluated: 2024-12-19. Review status: criteria provided, single submitter. Criteria: ACMG Guidelines, 2015. Collection method: clinical testing. Allele origin: germline.

GeneDx
Classification: Pathogenic. Last evaluated: 2024-10-24. Review status: criteria provided, single submitter. Criteria: GeneDx Variant Classification Process June 2021. Collection method: clinical testing. Allele origin: germline.
Comment: Nonsense variant predicted to result in protein truncation or nonsense mediated decay in a gene for which loss of function is a known mechanism of disease; Not observed at significant frequency in large population cohorts (gnomAD); This variant is associated with the following publications: (PMID: 18079167, 25525159, 27071356, 19105190, 29980238, 24833714, 31227335, 31589614, 34983064, 37510225, 29946510, 35906604, 29949766, 35326432, 22246010, 18067136)

Blueprint Genetics
Classification: Pathogenic for SPG11-related disorders. Last evaluated: 2024-02-26. Review status: criteria provided, single submitter. Criteria: ACMG Guidelines, 2015. Collection method: clinical testing. Allele origin: germline. Affected: yes. Observed: 3 variant alleles.

Women's Health and Genetics/Laboratory Corporation of America, LabCorp
Classification: Pathogenic for Hereditary spastic paraplegia. Last evaluated: 2023-06-29. Review status: criteria provided, single submitter. Criteria: LabCorp Variant Classification Summary - May 2015. Collection method: clinical testing. Allele origin: germline.
Comment: Variant summary: SPG11 c.1951C>T (p.Arg651X) results in a premature termination codon and is predicted to cause absence of the protein due to nonsense mediated decay, a commonly known mechanism for disease. The variant allele was found at a frequency of 2.8e-05 in 251010 control chromosomes (gnomAD). c.1951C>T has been reported in the literature as a biallelic genotype in individuals affected with Hereditary Spastic Paraplegia, Type 11 (e.g. Pensato_2014). These data indicate that the variant is likely to be associated with disease. The following publication has been ascertained in the context of this evaluation (PMID: 24833714). Three submitters have cited clinical-significance assessments for this variant to ClinVar after 2014 and all classified the variant as pathogenic. Based on the evidence outlined above, the variant was classified as pathogenic.

Baylor Genetics
Classification: Pathogenic for Hereditary spastic paraplegia 11. Last evaluated: 2020-07-08. Review status: criteria provided, single submitter. Criteria: ACMG Guidelines, 2015. Collection method: clinical testing. Allele origin: unknown. Affected: yes.
Comment: This variant was determined to be pathogenic according to ACMG Guidelines, 2015 [PMID:25741868].

Centre for Mendelian Genomics, University Medical Centre Ljubljana
Classification: Pathogenic for Hereditary spastic paraplegia 11. Last evaluated: 2019-01-10. Review status: criteria provided, single submitter. Criteria: ACMG Guidelines, 2015. Collection method: clinical testing. Allele origin: unknown. Affected: yes.
Comment: This variant was classified as: Pathogenic. The following ACMG criteria were applied in classifying this variant: PVS1,PM2,PP5.

Laboratory for Molecular Medicine, Mass General Brigham Personalized Medicine
Classification: Pathogenic for Hereditary spastic paraplegia. Last evaluated: 2015-02-10. Review status: criteria provided, single submitter. Criteria: ACMG Guidelines, 2015. Collection method: clinical testing. Allele origin: germline. Inheritance: Autosomal recessive inheritance.
Comment: The p.Arg651X variant in SPG11 has been reported in 2 individuals with spastic paraplegia. One individual and the 2 affected siblings were homozygous for the variant (Hehr 2007) whereas the other affected individual was compound heterozygous (Stevanin 2008). This variant has also been identified in 2/66706 (0.003%) of European chromosomes by the Exome Aggregation Consortium (ExAC; dbSNP rs199588440), though this observation is consistent with a recessive carrier frequency. This nonsense variant leads to a premature termination codon at position 651 which is predicted to lead to a truncated or absent protein. Homozygous or compound heterozygous loss of function in SPG11 has been shown to cause spastic paraplegia. In summary, this variant meets our criteria to be classified as pathogenic for spastic paraplegia in an autosomal recessive manner.

Genome-Nilou Lab
Classification: Pathogenic for Hereditary spastic paraplegia 11. Review status: criteria provided, single submitter. Criteria: ACMG Guidelines, 2015. Collection method: clinical testing. Allele origin: germline.

Paris Brain Institute, Inserm - ICM
Classification: Pathogenic for Hereditary spastic paraplegia 11. Review status: criteria provided, single submitter. Criteria: ACMG Guidelines, 2015. Collection method: clinical testing. Allele origin: unknown. Affected: yes. Observed: 2 variant alleles.

Solve-RD Consortium
Classification: Likely pathogenic for Charcot-Marie-Tooth disease axonal type 2X. Last evaluated: 2022-06-01. Review status: no assertion criteria provided. Collection method: provider interpretation. Allele origin: inherited. Affected: yes. Not counted in ClinVar's aggregate classification.
Comment: Variant confirmed as disease-causing by referring clinical team

Variant identified during reanalysis of unsolved cases by the Solve-RD project. The Solve-RD project has received funding from the European Union’s Horizon 2020 research and innovation programme under grant agreement No 779257.

GeneReviews
No classification provided. Condition: Hereditary spastic paraplegia 11. Review status: no classification provided. Collection method: literature only. Allele origin: unknown. Not counted in ClinVar's aggregate classification.

Literature cited by the submitters: PubMed 19105190 (cited by Labcorp Genetics (formerly Invitae), Labcorp); PubMed 20110243 (cited by Labcorp Genetics (formerly Invitae), Labcorp); PubMed 22154821 (cited by Labcorp Genetics (formerly Invitae), Labcorp); PubMed 26556829 (cited by Labcorp Genetics (formerly Invitae), Labcorp); PubMed 18067136 (cited by 3 submitters); PubMed 18079167 (cited by 3 submitters); PubMed 23121729 (cited by Labcorp Genetics (formerly Invitae), Labcorp); PubMed 24833714 (cited by Labcorp Genetics (formerly Invitae), Labcorp and Women's Health and Genetics/Laboratory Corporation of America, LabCorp); PubMed 27071356 (cited by Labcorp Genetics (formerly Invitae), Labcorp); PubMed 39825153 (cited by Solve-RD Consortium); PubMed 20301389 (cited by GeneReviews); NCBI Bookshelf NBK1210 (cited by GeneReviews).

NM_025137.4(SPG11):c.1951C>T (p.Arg651Ter)

Gene: SPG11 (SPG11 vesicle trafficking associated, spatacsin; minus strand). Cytogenetic location: 15q21.1.
Variant type: single nucleotide variant.
Coding change: c.1951C>T on transcript NM_025137.4 (MANE Select); coding-DNA position 1951, C replaced by T.
Protein change: p.Arg651Ter; replaces arginine 651 with a stop codon.
Molecular consequence: nonsense.
Genome position (GRCh38, 1-based): chr15:44,628,785, G>A on the plus strand (C>T on the coding strand, the complement: SPG11 is on the minus strand). VCF-style: chr15-44628785-G-A. GRCh37 (hg19) VCF-style: chr15-44920983-G-A.
Other names: c.1951C>T, p.Arg651Ter (NM_001160227.2); short protein forms R651*.
Identifiers: ClinVar variation 41284 (VCV000041284.25), dbSNP rs199588440, ClinGen allele CA344310.